The following is an entry in ClinVar:

NM_020738.4(KIDINS220):c.535C>T (p.Arg179Ter)

Gene: KIDINS220 (kinase D interacting substrate 220; minus strand). Cytogenetic location: 2p25.1.
Variant type: single nucleotide variant.
Coding change: c.535C>T on transcript NM_020738.4 (MANE Select); coding-DNA position 535, C replaced by T.
Protein change: p.Arg179Ter; replaces arginine 179 with a stop codon.
Molecular consequence: nonsense. On other transcripts: non-coding transcript variant (2).
Genome position (GRCh38, 1-based): chr2:8,806,339, G>A on the plus strand (C>T on the coding strand, the complement: KIDINS220 is on the minus strand). VCF-style: chr2-8806339-G-A. GRCh37 (hg19) VCF-style: chr2-8946469-G-A.
Other names: c.538C>T, p.Arg180Ter (NM_001348729.2, NM_001348731.2, NM_001348734.2 and 3 more transcripts); c.535C>T, p.Arg179Ter (NM_001348732.2, NM_001348735.2, NM_001348738.2 and 3 more transcripts); c.409C>T, p.Arg137Ter (NM_001348736.2); short protein forms R137*, R179*, R180*.
Identifiers: ClinVar variation 4685503 (VCV004685503.1).

ClinVar aggregate classification (germline): Pathogenic (1 of 4 stars; one submission).

Conditions:
Spastic paraplegia, intellectual disability, nystagmus, and obesity. Also called: Spastic paraplegia, intellectual disability, nystagmus, and obesity;. Identifiers: Orphanet 521390, MedGen C4284592, MONDO:0015007, OMIM 617296.

Submission:

Imagene.me medical diagnostic laboratory, IMAGENE.ME SA
Classification: Pathogenic for Spastic paraplegia, intellectual disability, nystagmus, and obesity. Review status: criteria provided, single submitter. Criteria: IMAGENE.ME Variant Classification SOP 2022. Collection method: clinical testing. Allele origin: germline. Affected: yes.
Comment: Classified according to the IMAGENE.ME variant classification SOP based on the ACMG guidelines as Pathogenic (P): PVS1 + PM2 + PP4